The following is an entry in ClinVar:

ClinVar aggregate classification (germline): Likely pathogenic (1 of 4 stars; one submission).

Submission:

Quest Diagnostics Nichols Institute San Juan Capistrano
Classification: Likely pathogenic. Last evaluated: 2021-11-05. Review status: criteria provided, single submitter. Criteria: ACMG/ClinGen CNV Guidelines, 2019. Collection method: clinical testing. Allele origin: unknown.
Comment: The terminal copy number loss of 11q25 lies within a larger region associated with Jacobsen syndrome (JBS, OMIM 147791), a contiguous gene syndrome caused by partial 11q deletions of different sizes, ranging from 5 to 20 Mb. Common features of this rare disorder include intrauterine growth restriction, postnatal growth retardation, psychomotor retardation, facial dysmorphism, abnormal platelet function, thrombocytopenia, pancytopenia, congenital malformations of the heart, kidney, gastrointestinal tract, genitalia, central nervous system, and skeleton, and less common features include eye, hearing, immune system, and endocrine problems. Critical genes including BSX, NRGN, ETS-1, FLI-1, and ARHGAP32 (RICS) have been shown to contribute to the full phenotype of JBS (Conrad et al. Am J Med Genet A. 2019;179(6):993-1000. PMID: 30888095; Tassano et al. J Appl Genet. 2016 Aug;57(3):357-62. PMID: 27020790; Favier et al. Am J Med Genet C Semin Med Genet, 169C (2015), pp. 239-250. PMID: 26285164). Patients with smaller deletions may exhibit a subset of the clinical features and can be considered to have a \partial Jacobsen syndrome\" phenotype. The author proposed that the critical region underlying DD/intellectual disability might be located in the distal portion of the chromosomal segment within 4.1 Mb of the telomere (J Hum Genet. 2010;55(8):486-489. PMID: 20520618; BMC Med Genet. 2010;11:72 PMID: 20459802). Thus, due to the size and gene content of the copy number variation (CNV), its clinical significance has been interpreted as likely pathogenic."

GRCh37/hg19 11q25(chr11:130935635-134938470)x1

Genes: ACAD8 (acyl-CoA dehydrogenase family member 8; plus strand), B3GAT1 (beta-1,3-glucuronyltransferase 1; minus strand), GLB1L2 (galactosidase beta 1 like 2; plus strand), GLB1L3 (galactosidase beta 1 like 3; plus strand), IGSF9B (immunoglobulin superfamily member 9B; minus strand) and 9 more. Cytogenetic location: 11q25.
Variant type: copy number loss.
Change: copy number 1 (one copy instead of two) of chr11:130,935,635-134,938,470 (4.00 Mb, GRCh37 coordinates, 1-based), cytogenetic band 11q25.
Identifiers: ClinVar variation 1807802 (VCV001807802.1).